The following is an entry in ClinVar:

NM_020937.4(FANCM):c.3296G>A (p.Arg1099His)

Gene: FANCM (FA complementation group M; plus strand). Cytogenetic location: 14q21.2.
Variant type: single nucleotide variant.
Coding change: c.3296G>A on transcript NM_020937.4 (MANE Select); coding-DNA position 3296, G replaced by A.
Protein change: p.Arg1099His; replaces arginine 1099 with histidine.
Molecular consequence: missense variant.
Genome position (GRCh38, 1-based): chr14:45,176,050, G>A. VCF-style: chr14-45176050-G-A. GRCh37 (hg19) VCF-style: chr14-45645253-G-A.
Other names: c.3296G>A (LRG_502t1); c.3218G>A, p.Arg1073His (NM_001308133.2); short protein forms R1099H, R1073H.
Identifiers: ClinVar variation 414849 (VCV000414849.34), dbSNP rs139382267, ClinGen allele CA7169492.

ClinVar aggregate classification (germline): Conflicting classifications of pathogenicity. Review status: criteria provided, conflicting classifications (1 of 4 stars). 12 submissions from 12 submitters: Uncertain significance (4); Likely benign (7). 1 of the submissions does not count toward it. Last evaluated 2026-02-02.

Conditions:
Premature ovarian failure 15. Identifiers: MedGen C4748170, MONDO:0054862, OMIM 618096.
FANCM-related disorder. Also called: FANCM-related condition.
Hereditary cancer-predisposing syndrome. Also called: Neoplastic Syndromes, Hereditary; Tumor predisposition; Hereditary Cancer Syndrome; Hereditary neoplastic syndrome. Identifiers: Orphanet 140162, MedGen C0027672, MeSH D009386, MONDO:0015356.
Fanconi anemia (FA). Also called: Fanconi's anemia. Identifiers: Orphanet 84, MedGen C0015625, MeSH D005199, MONDO:0019391.
Aplastic anemia. Identifiers: Orphanet 182040, Orphanet 88, MedGen C0002874, MONDO:0015909, OMIM 609135, HP:0001915.
Fanconi anemia complementation group A (FANCA). Also called: Fanconi anemia, group A; FANCA-Related Fanconi Anemia. Identifiers: Orphanet 84, MedGen C3469521, MONDO:0009215, OMIM 227650.

Allele frequency attached by ClinVar (database versions not stated): gnomAD exomes 0.00022 and 0.00036; ExAC 0.00041; gnomAD 0.00082 and 0.00083; TOPMed 0.00085; ESP Exome Variant Server 0.00123; 1000 Genomes Project 0.00160; 1000 Genomes Project 30x 0.00203.
gnomAD v4.1: 465 of 1,613,980 alleles (0.029%); highest among the groups gnomAD compares: African/African-American, 0.22%; no homozygotes.

Submissions (12):

Dasa
Classification: Likely benign. Last evaluated: 2026-02-02. Review status: criteria provided, single submitter. Criteria: DASA Assertion Criteria. Collection method: clinical testing. Allele origin: germline.
Comment: NM_020937.4(FANCM):c.3296G>A (p.Arg1099His) is a missense variant that results in the substitution of arginine with histidine. Population frequency is inconsistent with a disease-causing role for this variant. Computational prediction algorithms are consistent with a benign effect. Therefore, based on the currently available evidence, this variant is classified as likely benign.

Labcorp Genetics (formerly Invitae), Labcorp
Classification: Likely benign for Fanconi anemia. Last evaluated: 2026-01-26. Review status: criteria provided, single submitter. Criteria: Invitae Variant Classification Sherloc (09022015). Collection method: clinical testing. Allele origin: germline.

Blueprint Genetics
Classification: Likely benign. Last evaluated: 2024-11-15. Review status: criteria provided, single submitter. Criteria: ACMG Guidelines, 2015. Collection method: clinical testing. Allele origin: germline.

KCCC/NGS Laboratory, Kuwait Cancer Control Center
Classification: Likely benign for Premature ovarian failure 15. Last evaluated: 2023-07-07. Review status: criteria provided, single submitter. Criteria: ACMG Guidelines, 2015. Collection method: clinical testing. Allele origin: germline. Affected: yes.

Quest Diagnostics Nichols Institute San Juan Capistrano
Classification: Likely benign. Last evaluated: 2023-05-08. Review status: criteria provided, single submitter. Criteria: Quest Diagnostics criteria. Collection method: clinical testing. Allele origin: unknown.

GeneDx
Classification: Uncertain significance. Last evaluated: 2022-04-08. Review status: criteria provided, single submitter. Criteria: GeneDx Variant Classification Process June 2021. Collection method: clinical testing. Allele origin: germline. Affected: yes.
Comment: In silico analysis supports that this missense variant does not alter protein structure/function; This variant is associated with the following publications: (PMID: 29351780, 30979843, 28881617)

Institute for Clinical Genetics, University Hospital TU Dresden, University Hospital TU Dresden
Classification: Uncertain significance. Last evaluated: 2021-11-03. Review status: criteria provided, single submitter. Criteria: ACMG Guidelines, 2015. Collection method: clinical testing. Allele origin: germline.

Sema4
Classification: Uncertain significance for Hereditary cancer-predisposing syndrome. Last evaluated: 2021-11-02. Review status: criteria provided, single submitter. Criteria: Sema4 Curation Guidelines. Collection method: curation. Allele origin: germline.
Comment: The FANCM c.3296G>A (p.R1099H) variant has been reported in heterozygosity in at least three individuals with breast or ovarian cancer (PMID: 29351780, 28881617). It was also reported in a large case-control study, where it was observed in equal frequency in both cases and controls (PMID: 33471991). This variant was observed in 51/24936 chromosomes in the African population, with no homozygotes, according to the Genome Aggregation Database (PMID: 32461654), and has been reported in ClinVar (Variation ID: 414849). In silico tools suggest the impact of the variant on protein function is benign, though these predictions have not been confirmed by functional studies. The overall evidence is inconsistent with ACMG/AMP requirements for a classification of benign or pathogenic. In summary, the clinical significance of this variant is currently uncertain.

Genetic Services Laboratory, University of Chicago
Classification: Likely benign. Last evaluated: 2021-04-21. Review status: criteria provided, single submitter. Criteria: ACMG Guidelines, 2015. Collection method: clinical testing. Allele origin: germline. Affected: no.

Genetics and Molecular Pathology, SA Pathology
Classification: Uncertain significance for Aplastic anemia. Last evaluated: 2020-01-31. Review status: criteria provided, single submitter. Criteria: ACMG Guidelines, 2015. Collection method: clinical testing. Allele origin: germline. Affected: yes.

Mendelics
Classification: Likely benign for Fanconi anemia complementation group A. Last evaluated: 2019-05-28. Review status: criteria provided, single submitter. Criteria: Mendelics Assertion Criteria 2017. Collection method: clinical testing. Allele origin: unknown.

PreventionGenetics, part of Exact Sciences
Classification: Likely benign for FANCM-related condition. Last evaluated: 2022-06-02. Review status: no assertion criteria provided. Collection method: clinical testing. Allele origin: germline. Not counted in ClinVar's aggregate classification.
Comment: This variant is classified as likely benign based on ACMG/AMP sequence variant interpretation guidelines (Richards et al. 2015 PMID: 25741868, with internal and published modifications).

Literature cited by the submitters: PubMed 33471991 (cited by Quest Diagnostics Nichols Institute San Juan Capistrano and Sema4); PubMed 28881617 (cited by Quest Diagnostics Nichols Institute San Juan Capistrano and Sema4); PubMed 29351780 (cited by Quest Diagnostics Nichols Institute San Juan Capistrano and Sema4).